The following is an entry in ClinVar:

ClinVar aggregate classification (germline): Uncertain significance (1 of 4 stars; one submission).

Conditions:
BBS9-related disorder. Also called: BBS9-related condition.

gnomAD v4.1: 2 of 1,612,180 alleles (0.00012%); highest among the groups gnomAD compares: Admixed American, 0.0033%; no homozygotes.

Submission:

PreventionGenetics, part of Exact Sciences
Classification: Uncertain significance for BBS9-related condition. Last evaluated: 2026-05-03. Review status: criteria provided, single submitter. Criteria: ACMG Guidelines, 2015. Collection method: clinical testing. Allele origin: germline.
Comment: The BBS9 c.1673G>C variant is predicted to result in the amino acid substitution p.Ser558Thr. To our knowledge, this variant has not been reported in the literature. This variant is reported in 0.0057% of alleles in individuals of Latino descent in gnomAD. At this time, the clinical significance of this variant is uncertain due to the absence of conclusive functional and genetic evidence.

NM_198428.3(BBS9):c.1673G>C (p.Ser558Thr)

Gene: BBS9 (Bardet-Biedl syndrome 9; plus strand). Cytogenetic location: 7p14.3.
Variant type: single nucleotide variant.
Coding change: c.1673G>C on transcript NM_198428.3 (MANE Select); coding-DNA position 1673, G replaced by C.
Protein change: p.Ser558Thr; replaces serine 558 with threonine.
Molecular consequence: missense variant. On other transcripts: non-coding transcript variant (3).
Genome position (GRCh38, 1-based): chr7:33,357,975, G>C. VCF-style: chr7-33357975-G-C. GRCh37 (hg19) VCF-style: chr7-33397587-G-C.
Other names: c.1568G>C, p.Ser523Thr (NM_001033604.2); c.1658G>C, p.Ser553Thr (NM_001033605.2); c.1673G>C, p.Ser558Thr (NM_001348036.1, NM_001348041.4, NM_001348043.3 and 1 more transcripts); c.1307G>C, p.Ser436Thr (NM_001348037.3, NM_001348045.3, NM_001348046.3); c.1400G>C, p.Ser467Thr (NM_001348038.3); c.1295G>C, p.Ser432Thr (NM_001348039.3); c.1553G>C, p.Ser518Thr (NM_001348040.3, NM_014451.4); c.1538G>C, p.Ser513Thr (NM_001348042.3); and 1 more; short protein forms S401T, S513T, S518T, S523T, S467T, S553T, S436T, S432T.
Identifiers: ClinVar variation 4995284 (VCV004995284.1).
Genomic context (GRCh38, chr7:33,357,975, plus strand): 5'-GTCAGCCTTCAAAAACTGCAAGCCACAAAATTACTATTGATACCAACAAATCTCCAGTCA[G>C]TCTTCTTAGTCTCTTCCCAGGTAAGACTGTTGAAATAACATGCCTGCAGCATCAAAAATG-3'
Protein context (NP_940820.1, residues 548-568): ITIDTNKSPV[Ser558Thr]LLSLFPGFAS